The following is an entry in ClinVar:

NM_000500.9(CYP21A2):c.1131C>G (p.Tyr377Ter)

Genes: CYP21A2 (cytochrome P450 family 21 subfamily A member 2; plus strand), LOC106780800 (CYP21A2 recombination region; plus strand). Cytogenetic location: 6p21.33.
Variant type: single nucleotide variant.
Coding change: c.1131C>G on transcript NM_000500.9 (MANE Select); coding-DNA position 1131, C replaced by G.
Protein change: p.Tyr377Ter; replaces tyrosine 377 with a stop codon.
Molecular consequence: nonsense.
Genome position (GRCh38, 1-based): chr6:32,040,680, C>G. VCF-style: chr6-32040680-C-G. GRCh37 (hg19) VCF-style: chr6-32008457-C-G.
Other names: c.1041C>G, p.Tyr347Ter (NM_001128590.4); c.726C>G, p.Tyr242Ter (NM_001368143.2, NM_001368144.2); short protein forms Y242*, Y347*, Y377*.
Identifiers: ClinVar variation 3384201 (VCV003384201.1).

ClinVar aggregate classification (germline): Likely pathogenic (1 of 4 stars; one submission).

Conditions:
21-Hydroxylase-Deficient Congenital Adrenal Hyperplasia. Also called: ADRENAL HYPERPLASIA III; ADRENAL HYPERPLASIA, CONGENITAL, DUE TO 21-HYDROXYLASE DEFICIENCY. Identifiers: MedGen C2936858, OMIM 201910.

Submission:

Genomic Medicine Center of Excellence, King Faisal Specialist Hospital and Research Centre
Classification: Likely pathogenic for 21-Hydroxylase-Deficient Congenital Adrenal Hyperplasia. Last evaluated: 2024-12-10. Review status: criteria provided, single submitter. Criteria: ACMG Guidelines, 2015. Collection method: clinical testing. Allele origin: germline.
Comment: PVS1, PM2